The following is an entry in ClinVar:

NM_000179.3(MSH6):c.3061G>A (p.Ala1021Thr)

Gene: MSH6 (mutS homolog 6; plus strand). Cytogenetic location: 2p16.3.
Variant type: single nucleotide variant.
Coding change: c.3061G>A on transcript NM_000179.3 (MANE Select); coding-DNA position 3061, G replaced by A.
Protein change: p.Ala1021Thr; replaces alanine 1021 with threonine.
Molecular consequence: missense variant.
Genome position (GRCh38, 1-based): chr2:47,801,044, G>A. VCF-style: chr2-47801044-G-A. GRCh37 (hg19) VCF-style: chr2-48028183-G-A.
Other names: c.2671G>A, p.Ala891Thr (NM_001281492.2); c.2155G>A, p.Ala719Thr (NM_001281493.2, NM_001281494.2); short protein forms A1021T, A891T, A719T.
Identifiers: ClinVar variation 1473859 (VCV001473859.8), dbSNP rs2104438316, ClinGen allele CA346756525.

ClinVar aggregate classification (germline): Uncertain significance (1 of 4 stars; one submission).

Conditions:
Hereditary nonpolyposis colorectal neoplasms. Identifiers: MedGen C0009405, MeSH D003123.

Submission:

Labcorp Genetics (formerly Invitae), Labcorp
Classification: Uncertain significance for Hereditary nonpolyposis colorectal neoplasms. Last evaluated: 2021-01-20. Review status: criteria provided, single submitter. Criteria: Invitae Variant Classification Sherloc (09022015). Collection method: clinical testing. Allele origin: germline.
Comment: This sequence change replaces alanine with threonine at codon 1021 of the MSH6 protein (p.Ala1021Thr). The alanine residue is highly conserved and there is a small physicochemical difference between alanine and threonine. This variant is not present in population databases (ExAC no frequency). This variant has not been reported in the literature in individuals with MSH6-related conditions. Algorithms developed to predict the effect of missense changes on protein structure and function are either unavailable or do not agree on the potential impact of this missense change (SIFT: "Deleterious"; PolyPhen-2: "Probably Damaging"; Align-GVGD: "Class C0"). In summary, the available evidence is currently insufficient to determine the role of this variant in disease. Therefore, it has been classified as a Variant of Uncertain Significance.